The following is an entry in ClinVar:

ClinVar aggregate classification (germline): Likely benign. Review status: criteria provided, single submitter (1 of 4 stars). 2 submissions from 2 submitters: Likely benign (1). 1 of the submissions does not count toward it. Last evaluated 2025-08-30.

Conditions:
WNT3-related disorder. Also called: WNT3-related condition.

Allele frequency attached by ClinVar (database versions not stated): gnomAD exomes 0.00001; ExAC 0.00002; gnomAD 0.00002; TOPMed 0.00005.
gnomAD v4.1: 16 of 1,613,996 alleles (0.00099%); highest among the groups gnomAD compares: Middle Eastern, 0.016%; no homozygotes.

Submissions (2):

Labcorp Genetics (formerly Invitae), Labcorp
Classification: Likely benign. Last evaluated: 2025-08-30. Review status: criteria provided, single submitter. Criteria: Invitae Variant Classification Sherloc (09022015). Collection method: clinical testing. Allele origin: germline.

PreventionGenetics, part of Exact Sciences
Classification: Likely benign for WNT3-related condition. Last evaluated: 2024-05-31. Review status: no assertion criteria provided. Collection method: clinical testing. Allele origin: germline. Not counted in ClinVar's aggregate classification.
Comment: This variant is classified as likely benign based on ACMG/AMP sequence variant interpretation guidelines (Richards et al. 2015 PMID: 25741868, with internal and published modifications).

NM_030753.5(WNT3):c.969G>A (p.Thr323=)

Genes: LRRC37A2 (leucine rich repeat containing 37 member A2), WNT3 (Wnt family member 3; minus strand). Cytogenetic location: 17q21.31.
Variant type: single nucleotide variant.
Coding change: c.969G>A on transcript NM_030753.5 (MANE Select); coding-DNA position 969, G replaced by A.
Protein change: p.Thr323=; no amino-acid change (threonine 323 retained).
Molecular consequence: synonymous variant.
Genome position (GRCh38, 1-based): chr17:46,768,419, C>T on the plus strand (G>A on the coding strand, the complement: WNT3 is on the minus strand). VCF-style: chr17-46768419-C-T. GRCh37 (hg19) VCF-style: chr17-44845785-C-T.
Other names: c.969G>A (NM_030753.4).
Identifiers: ClinVar variation 2414458 (VCV002414458.9), dbSNP rs767605103, ClinGen allele CA8620514.
Genomic context (GRCh38, chr17:46,768,419, plus strand): 5'-CTGGCAGCTGACGTAGCAGCACCAGTGGAAGATGCAGTGGCATTTTTCCTTCCGCTTCTC[C>T]GTCCTCGTGTTGTGGCCCCGGCCACAGCAGAGCAGATCGCAGCCATCGATGCCGTGGGAG-3'
Protein context (NP_110380.1, residues 313-333): LCCGRGHNTR[Thr323=]EKRKEKCHCI